The following is an entry in ClinVar:

ClinVar aggregate classification (germline): Uncertain significance. Review status: criteria provided, multiple submitters, no conflicts (2 of 4 stars). 3 submissions from 3 submitters: Uncertain significance (3). Last evaluated 2025-02-19.

Conditions:
Inborn genetic diseases. Identifiers: MedGen C0950123, MeSH D030342.
Polyglandular autoimmune syndrome, type 1 (APS1). Also called: Whitaker syndrome; AUTOIMMUNE POLYENDOCRINE SYNDROME, TYPE I, WITH OR WITHOUT REVERSIBLE METAPHYSEAL DYSPLASIA; APS I; Autoimmune polyendocrinopathy syndrome , type I, with or without reversible metaphyseal dysplasia; HYPOADRENOCORTICISM WITH HYPOPARATHYROIDISM AND SUPERFICIAL MONILIASIS; PGA I. Identifiers: Orphanet 3453, MedGen C0085859, MONDO:0009411, OMIM 240300.

gnomAD v4.1: 1 of 1,612,602 alleles (0.000062%); highest among the groups gnomAD compares: Admixed American, 0.0017%; no homozygotes.

Submissions (3):

Ambry Genetics
Classification: Uncertain significance for Inborn genetic diseases. Last evaluated: 2025-02-19. Review status: criteria provided, single submitter. Criteria: Ambry Variant Classification Scheme 2023. Collection method: clinical testing. Allele origin: germline.

Labcorp Genetics (formerly Invitae), Labcorp
Classification: Uncertain significance for Polyglandular autoimmune syndrome, type 1. Last evaluated: 2024-10-02. Review status: criteria provided, single submitter. Criteria: Invitae Variant Classification Sherloc (09022015). Collection method: clinical testing. Allele origin: germline.
Comment: This sequence change replaces glycine, which is neutral and non-polar, with aspartic acid, which is acidic and polar, at codon 227 of the AIRE protein (p.Gly227Asp). This variant is not present in population databases (gnomAD no frequency). This variant has not been reported in the literature in individuals affected with AIRE-related conditions. Invitae Evidence Modeling of protein sequence and biophysical properties (such as structural, functional, and spatial information, amino acid conservation, physicochemical variation, residue mobility, and thermodynamic stability) has been performed for this missense variant. However, the output from this modeling did not meet the statistical confidence thresholds required to predict the impact of this variant on AIRE protein function. In summary, the available evidence is currently insufficient to determine the role of this variant in disease. Therefore, it has been classified as a Variant of Uncertain Significance.

Blueprint Genetics
Classification: Uncertain significance. Last evaluated: 2024-01-22. Review status: criteria provided, single submitter. Criteria: ACMG Guidelines, 2015. Collection method: clinical testing. Allele origin: germline.

NM_000383.4(AIRE):c.680G>A (p.Gly227Asp)

Gene: AIRE (autoimmune regulator; plus strand). Cytogenetic location: 21q22.3.
Variant type: single nucleotide variant.
Coding change: c.680G>A on transcript NM_000383.4 (MANE Select); coding-DNA position 680, G replaced by A.
Protein change: p.Gly227Asp; replaces glycine 227 with aspartic acid.
Molecular consequence: missense variant.
Genome position (GRCh38, 1-based): chr21:44,289,684, G>A. VCF-style: chr21-44289684-G-A. GRCh37 (hg19) VCF-style: chr21-45709567-G-A.
Other names: short protein forms G227D.
Identifiers: ClinVar variation 3631335 (VCV003631335.4).